The following is an entry in ClinVar:

NM_000329.3(RPE65):c.1039C>T (p.Arg347Cys)

Gene: RPE65 (retinoid isomerohydrolase RPE65; minus strand). Cytogenetic location: 1p31.3.
Variant type: single nucleotide variant.
Coding change: c.1039C>T on transcript NM_000329.3 (MANE Select); coding-DNA position 1039, C replaced by T.
Protein change: p.Arg347Cys; replaces arginine 347 with cysteine.
Molecular consequence: missense variant.
Genome position (GRCh38, 1-based): chr1:68,438,276, G>A on the plus strand (C>T on the coding strand, the complement: RPE65 is on the minus strand). VCF-style: chr1-68438276-G-A. GRCh37 (hg19) VCF-style: chr1-68903959-G-A.
Other names: NM_000329.3(RPE65):c.1039C>T; p.Arg347Cys; c.1039C>T (NM_000329.2); c.931C>T, p.Arg311Cys (NM_001406853.1); c.763C>T, p.Arg255Cys (NM_001406856.1, NM_001406857.1); c.1039C>T, p.Arg347Cys (NM_001406859.1); short protein forms R347C, R255C, R311C.
Identifiers: ClinVar variation 2149933 (VCV002149933.8), dbSNP rs936592713, ClinGen allele CA23569514.

ClinVar aggregate classification (germline): Likely pathogenic. Review status: reviewed by expert panel (3 of 4 stars). 5 submissions from 5 submitters: Likely pathogenic (1). 4 of the submissions do not count toward it. Last evaluated 2024-12-12.

Conditions:
RPE65-related recessive retinopathy. Also called: Recessive RPE65 retinopathy. Identifiers: MedGen CN305526, MONDO:0100368.
Leber congenital amaurosis (LCA). Also called: Leber's amaurosis. Identifiers: Orphanet 65, MedGen C0339527, MeSH D057130, MONDO:0018998.
Leber congenital amaurosis 2 (LCA2). Also called: AMAUROSIS CONGENITA OF LEBER II; Autosomal Recessive RPE65-Related Retinal Degeneration. Identifiers: Orphanet 65, MedGen C1859844, MONDO:0008765, OMIM 204100. Disease mechanism: loss of function.
Retinitis pigmentosa 20 (RP20). Identifiers: Orphanet 791, MedGen C3151086, MONDO:0013425, OMIM 613794.

Allele frequency attached by ClinVar (database versions not stated): gnomAD exomes below 0.00001.
gnomAD v4.1: 6 of 1,613,518 alleles (0.00037%); highest among the groups gnomAD compares: Admixed American, 0.0017%; no homozygotes.

Submissions (5):

ClinGen Leber Congenital Amaurosis/early Onset Retinal Dystrophy Variant Curation Expert Panel, ClinGen
Classification: Likely pathogenic for RPE65-related recessive retinopathy. Last evaluated: 2024-12-12. Review status: reviewed by expert panel. Criteria: ClinGen LCAeoRD ACMG Specifications RPE65 V1.0.0. Collection method: curation. Allele origin: germline. Inheritance: Autosomal recessive inheritance.
Comment: NM_000329.3(RPE65):c.1039C>T (p.Arg347Cys) is a missense substitution, replacing arginine with cysteine at position 347. This variant is present in gnomAD v.4.1.0 at a GrpMax allele frequency of 0.00000124, with 5 alleles / 1179740 total alleles in the European (non-Finnish) population, which is lower than the ClinGen LCA/eoRD VCEP PM2_Supporting threshold of <0.0002 (PM2_Supporting). The computational predictor REVEL gives a score of 0.789, which is above the ClinGen LCA/eoRD VCEP threshold of ≥0.773 and predicts a damaging effect on RPE65 function (PP3_Moderate). At least one proband harboring this variant exhibits a phenotype including a diagnosis of Leber congenital amaurosis (0.5 pts) with onset of symptoms at age 4 months (1 pt), nystagmus (1 pt), pigmentary retinopathy with attenuated vessels (0.5 pts), decreased central visual acuity (1 pt), diminished rod (0.5 pts) and cone (1 pt) electroretinogram responses, poor pupillary light response (0.5 pts), and decreased peripheral vision (1 pt), which together are specific for RPE65-related recessive retinopathy (total 7 points, PMID: 36017377, PP4). The variant has been reported to segregate with childhood-onset severe retinal dystrophy through the proband plus 2 similarly affected relatives, with the variant present in the homozygous state (PP1_Moderate; PMID: 36017377). This variant has been reported in 1 proband with early-onset severe retinal dystrophy who was homozygous for the variant (0.5 points. PMID: 36017377, PM3_Supporting). This variant has also been reported in at least 1 proband with early-onset severe retinal dystrophy who was compound heterozygous with the variant p.Ala360Pro confirmed in trans (PMID: 33952291), which was not counted to avoid circularity. In summary, this variant meets the criteria to be classified as likely pathogenic for RPE65-related recessive retinopathy based on the ACMG/AMP criteria applied, as specified by the ClinGen LCA/eoRD VCEP: PP1_moderate, PP3_moderate, PM2_supporting, PM3_supporting, PP4. (VCEP specifications version 1.0.0; date of approval 09/21/2023).

Women's Health and Genetics/Laboratory Corporation of America, LabCorp
Classification: Likely pathogenic for Leber congenital amaurosis. Last evaluated: 2024-12-10. Review status: criteria provided, single submitter. Criteria: LabCorp Variant Classification Summary - May 2015. Collection method: clinical testing. Allele origin: germline. Not counted in ClinVar's aggregate classification.
Comment: Variant summary: RPE65 c.1039C>T (p.Arg347Cys) results in a non-conservative amino acid change located in the Retinal pigment epithelial membrane protein (IPR004294) of the encoded protein sequence. Five of five in-silico tools predict a damaging effect of the variant on protein function. The variant allele was found at a frequency of 8e-06 in 251000 control chromosomes. c.1039C>T has been reported in the literature in individuals affected with Leber Congenital Amaurosis and related conditions (Gao_2021, Invitae). Additionally, another missense affecting the same codon (Arg347His) has been observed in patients with RPE65 related conditions. These data indicate that the variant may be associated with disease. To our knowledge, no experimental evidence demonstrating an impact on protein function has been reported. The following publications have been ascertained in the context of this evaluation (PMID: 33952291). ClinVar contains an entry for this variant (Variation ID: 2149933). Based on the evidence outlined above, the variant was classified as likely pathogenic.

Labcorp Genetics (formerly Invitae), Labcorp
Classification: Pathogenic for Leber congenital amaurosis 2; Retinitis pigmentosa 20. Last evaluated: 2024-11-05. Review status: criteria provided, single submitter. Criteria: Invitae Variant Classification Sherloc (09022015). Collection method: clinical testing. Allele origin: germline. Not counted in ClinVar's aggregate classification.
Comment: This sequence change replaces arginine, which is basic and polar, with cysteine, which is neutral and slightly polar, at codon 347 of the RPE65 protein (p.Arg347Cys). This variant is present in population databases (no rsID available, gnomAD 0.003%). This missense change has been observed in individual(s) with retinitis pigmentosa (PMID: 33952291; internal data). In at least one individual the data is consistent with being in trans (on the opposite chromosome) from a pathogenic variant. ClinVar contains an entry for this variant (Variation ID: 2149933). Invitae Evidence Modeling of protein sequence and biophysical properties (such as structural, functional, and spatial information, amino acid conservation, physicochemical variation, residue mobility, and thermodynamic stability) has been performed for this missense variant. However, the output from this modeling did not meet the statistical confidence thresholds required to predict the impact of this variant on RPE65 protein function. Algorithms developed to predict the effect of sequence changes on RNA splicing suggest that this variant may disrupt the consensus splice site. This variant disrupts the p.Arg347 amino acid residue in RPE65. Other variant(s) that disrupt this residue have been observed in individuals with RPE65-related conditions (PMID: 29178642, 31630094), which suggests that this may be a clinically significant amino acid residue. For these reasons, this variant has been classified as Pathogenic.

Natera, Inc.
Classification: Likely pathogenic for Leber congenital amaurosis. Last evaluated: 2024-09-19. Review status: criteria provided, single submitter. Criteria: Natera Variant Classification Schema (03/2026). Collection method: clinical testing. Allele origin: germline. Not counted in ClinVar's aggregate classification.
Comment: The c.1039C>T variant in RPE65 is a missense variant predicted to cause substitution of arginine to cysteine at amino acid 347. This variant is rare in the general population with a frequency below the threshold expected for the associated phenotype(s). This variant has been observed in one or more individuals affected with the associated recessive disease, as either homozygous or compound heterozygous with a second variant (PMID: 29033008, 36017377). Additionally, this variant has been observed to segregate in affected family members (PMID: 36017377). Computational prediction algorithms indicate this variant is likely to affect gene or protein function. Given the available evidence, this variant is classified as Likely Pathogenic.

Baylor Genetics
Classification: Likely pathogenic for Leber congenital amaurosis 2. Last evaluated: 2023-11-04. Review status: criteria provided, single submitter. Criteria: ACMG Guidelines, 2015. Collection method: clinical testing. Allele origin: unknown. Not counted in ClinVar's aggregate classification.

Literature cited by the submitters: PubMed 33952291 (cited by Women's Health and Genetics/Laboratory Corporation of America, LabCorp and Labcorp Genetics (formerly Invitae), Labcorp); PubMed 29178642 (cited by Labcorp Genetics (formerly Invitae), Labcorp); PubMed 31630094 (cited by Labcorp Genetics (formerly Invitae), Labcorp); PubMed 29033008 (cited by Natera, Inc.); PubMed 36017377 (cited by Natera, Inc.).